The following is an entry in ClinVar:

ClinVar aggregate classification (germline): Likely pathogenic (1 of 4 stars; one submission).

Conditions:
Congenital hyperammonemia, type I. Also called: Carbamoyl phosphate synthetase I deficiency disease; CPS I DEFICIENCY; Carbamoyl phosphate synthetase 1 deficiency; Hyperammonemia due to carbamoyl phosphate synthetase 1 deficiency; CPS 1 deficiency; Carbamyl phosphate synthetase (CPS) deficiency. Identifiers: Orphanet 147, MedGen C4082171, MONDO:0009376, OMIM 237300.

Submission:

Myriad Genetics, Inc.
Classification: Likely pathogenic for Congenital hyperammonemia, type I. Last evaluated: 2021-12-17. Review status: criteria provided, single submitter. Criteria: Myriad Women's Health Autosomal Recessive and X-Linked Classification Criteria (2021). Collection method: clinical testing. Allele origin: unknown.
Comment: NM_001875.4(CPS1):c.2755A>T(K919*) is expected to be pathogenic in the context of carbamoylphosphate synthetase I deficiency. This variant is predicted to lead to an abnormal or absent protein product due to the creation of a premature termination codon in CPS1, a gene where loss-of-function variants are known to be pathogenic. Please note: this variant was assessed in the context of healthy population screening.

NM_001875.5(CPS1):c.2755A>T (p.Lys919Ter)

Gene: CPS1 (carbamoyl-phosphate synthase 1; plus strand). Cytogenetic location: 2q34.
Variant type: single nucleotide variant.
Coding change: c.2755A>T on transcript NM_001875.5 (MANE Select); coding-DNA position 2755, A replaced by T.
Protein change: p.Lys919Ter; replaces lysine 919 with a stop codon.
Molecular consequence: nonsense. On other transcripts: non-coding transcript variant (2).
Genome position (GRCh38, 1-based): chr2:210,637,769, A>T. VCF-style: chr2-210637769-A-T. GRCh37 (hg19) VCF-style: chr2-211502493-A-T.
Other names: c.2755A>T, p.Lys919Ter (NM_001122633.3, NM_001369257.1); c.2788A>T, p.Lys930Ter (NM_001369256.1); short protein forms K919*, K930*.
Identifiers: ClinVar variation 1726518 (VCV001726518.2), dbSNP rs2469258832, ClinGen allele CA350431024.